The following is an entry in ClinVar:

ClinVar aggregate classification (germline): Benign/Likely benign. Review status: criteria provided, multiple submitters, no conflicts (2 of 4 stars). 26 submissions from 19 submitters: Benign (15); Likely benign (6). 5 of the submissions do not count toward it. Last evaluated 2026-02-03.

Conditions:
Dilated cardiomyopathy 1G (CMD1G). Identifiers: Orphanet 154, MedGen C1858763, MONDO:0011400, OMIM 604145.
Autosomal recessive limb-girdle muscular dystrophy type 2J (LGMDR10). Also called: Limb-girdle muscular dystrophy, type 2J; MUSCULAR DYSTROPHY, LIMB-GIRDLE, AUTOSOMAL RECESSIVE 10. Identifiers: Orphanet 140922, MedGen C1837342, MONDO:0012127, OMIM 608807.
Cardiomyopathy (CMYO). Also called: Cardiomyopathies. Identifiers: Orphanet 167848, MedGen C0878544, MONDO:0004994, HP:0001638. Inheritance: Various modes of inheritance.
Early-onset myopathy with fatal cardiomyopathy (CMYO5). Also called: CONGENITAL MYOPATHY 5 WITH CARDIOMYOPATHY; Salih Myopathy. Identifiers: Orphanet 289377, MedGen C2673677, MONDO:0012714, OMIM 611705. Disease mechanism: loss of function.
Myopathy, myofibrillar, 9, with early respiratory failure (MFM9). Also called: MYOPATHY, PROXIMAL, WITH EARLY RESPIRATORY MUSCLE INVOLVEMENT; Myopathy, distal, with early respiratory failure, autosomal dominant; Hereditary myopathy with early respiratory failure; EDSTROM MYOPATHY. Identifiers: Orphanet 178464, Orphanet 34521, MedGen C1863599, MONDO:0011362, OMIM 603689.
Tibial muscular dystrophy (TMD). Also called: Tibial muscular dystrophy, tardive; UDD MYOPATHY; Udd Distal Myopathy – Tibial Muscular Dystrophy. Identifiers: Orphanet 609, MedGen C1838244, MONDO:0010870, OMIM 600334.

Allele frequency attached by ClinVar (database versions not stated): TOPMed 0.00125; gnomAD 0.00129 and 0.00205; ESP Exome Variant Server 0.00162; gnomAD exomes 0.00244 and 0.00423; ExAC 0.00477; 1000 Genomes Project 30x 0.00578; 1000 Genomes Project 0.00599.

Submissions (26):

Labcorp Genetics (formerly Invitae), Labcorp
Classification: Benign for Dilated cardiomyopathy 1G; Autosomal recessive limb-girdle muscular dystrophy type 2J. Last evaluated: 2026-02-03. Review status: criteria provided, single submitter. Criteria: Invitae Variant Classification Sherloc (09022015). Collection method: clinical testing. Allele origin: germline.

Genomic Medicine Center of Excellence, King Faisal Specialist Hospital and Research Centre
Classification: Likely benign. Last evaluated: 2025-08-18. Review status: criteria provided, single submitter. Criteria: ACMG Guidelines, 2015. Collection method: clinical testing. Allele origin: germline.

ARUP Laboratories, Molecular Genetics and Genomics, ARUP Laboratories
Classification: Benign. Last evaluated: 2025-06-23. Review status: criteria provided, single submitter. Criteria: ARUP Molecular Germline Variant Investigation Process 2024. Collection method: clinical testing. Allele origin: germline.

Molecular Diagnostic Laboratory for Inherited Cardiovascular Disease, Montreal Heart Institute
Classification: Likely benign. Last evaluated: 2025-04-09. Review status: criteria provided, single submitter. Criteria: ACMG Guidelines, 2015. Collection method: clinical testing. Allele origin: germline. Affected: no.

Athena Diagnostics
Classification: Benign. Last evaluated: 2025-01-21. Review status: criteria provided, single submitter. Criteria: Athena Diagnostics Criteria. Collection method: clinical testing. Allele origin: unknown.
Comment: The frequency of this variant in the general population is higher than would generally be expected for pathogenic variants in this gene.

Mayo Clinic Laboratories, Mayo Clinic
Classification: Benign. Last evaluated: 2023-06-16. Review status: criteria provided, single submitter. Criteria: ACMG Guidelines, 2015. Collection method: clinical testing. Allele origin: germline. Observed: 10 variant alleles.
Comment: BS1, BS2

Genome-Nilou Lab
Classification: Benign for Autosomal recessive limb-girdle muscular dystrophy type 2J. Last evaluated: 2021-09-10. Review status: criteria provided, single submitter. Criteria: ACMG Guidelines, 2015. Collection method: clinical testing. Allele origin: germline. Affected: no.

Genome-Nilou Lab
Classification: Benign for Myopathy, myofibrillar, 9, with early respiratory failure. Last evaluated: 2021-09-10. Review status: criteria provided, single submitter. Criteria: ACMG Guidelines, 2015. Collection method: clinical testing. Allele origin: germline. Affected: no.

Genome-Nilou Lab
Classification: Benign for Early-onset myopathy with fatal cardiomyopathy. Last evaluated: 2021-09-10. Review status: criteria provided, single submitter. Criteria: ACMG Guidelines, 2015. Collection method: clinical testing. Allele origin: germline. Affected: no.

Genome-Nilou Lab
Classification: Benign for Tibial muscular dystrophy. Last evaluated: 2021-09-10. Review status: criteria provided, single submitter. Criteria: ACMG Guidelines, 2015. Collection method: clinical testing. Allele origin: germline. Affected: no.

Women's Health and Genetics/Laboratory Corporation of America, LabCorp
Classification: Benign. Last evaluated: 2019-10-08. Review status: criteria provided, single submitter. Criteria: LabCorp Variant Classification Summary - May 2015. Collection method: clinical testing. Allele origin: germline.
Comment: Variant summary: TTN c.1938+10G>C alters a non-conserved nucleotide located close to a canonical splice site and therefore could affect mRNA splicing, leading to a significantly altered protein sequence. 5/5 computational tools predict no significant impact on normal splicing. However, these predictions have yet to be confirmed by functional studies. The variant allele was found at a frequency of 0.0042 in 250962 control chromosomes, predominantly at a frequency of 0.023 within the South Asian subpopulation in the gnomAD database, including 14 homozygotes. The observed variant frequency within South Asian control individuals in the gnomAD database is approximately 36.79 fold of the estimated maximal expected allele frequency for a pathogenic variant in TTN causing Cardiomyopathy phenotype (0.00063), strongly suggesting that the variant is a benign polymorphism found primarily in populations of South Asian origin. Five clinical diagnostic laboratories have submitted clinical-significance assessments for this variant to ClinVar after 2014 without evidence for independent evaluation, four classify as likely benign/benign while one classified as VUS. Based on the evidence outlined above, the variant was classified as benign.

Illumina Laboratory Services, Illumina
Classification: Likely benign for Dilated cardiomyopathy 1G. Last evaluated: 2018-01-12. Review status: criteria provided, single submitter. Criteria: ICSL Variant Classification Criteria 13 December 2019. Collection method: clinical testing. Allele origin: germline.
Comment: This variant was observed in the ICSL laboratory as part of a predisposition screen in an ostensibly healthy population. It had not been previously curated by ICSL or reported in the Human Gene Mutation Database (HGMD: prior to June 1st, 2018), and was therefore a candidate for classification through an automated scoring system. Utilizing variant allele frequency, disease prevalence and penetrance estimates, and inheritance mode, an automated score was calculated to assess if this variant is too frequent to cause the disease. Based on the score and internal cut-off values, a variant classified as likely benign is not then subjected to further curation. The score for this variant resulted in a classification of likely benign for this disease.

Illumina Laboratory Services, Illumina
Classification: Benign for Myopathy, myofibrillar, 9, with early respiratory failure. Last evaluated: 2018-01-12. Review status: criteria provided, single submitter. Criteria: ICSL Variant Classification Criteria 13 December 2019. Collection method: clinical testing. Allele origin: germline.
Comment: This variant was observed in the ICSL laboratory as part of a predisposition screen in an ostensibly healthy population. It had not been previously curated by ICSL or reported in the Human Gene Mutation Database (HGMD: prior to June 1st, 2018), and was therefore a candidate for classification through an automated scoring system. Utilizing variant allele frequency, disease prevalence and penetrance estimates, and inheritance mode, an automated score was calculated to assess if this variant is too frequent to cause the disease. Based on the score and internal cut-off values, a variant classified as benign is not then subjected to further curation. The score for this variant resulted in a classification of benign for this disease.

Illumina Laboratory Services, Illumina
Classification: Likely benign for Early-onset myopathy with fatal cardiomyopathy. Last evaluated: 2018-01-12. Review status: criteria provided, single submitter. Criteria: ICSL Variant Classification Criteria 13 December 2019. Collection method: clinical testing. Allele origin: germline.
Comment: the same text as in the submission from Illumina Laboratory Services, Illumina above.

Illumina Laboratory Services, Illumina
Classification: Benign for Tibial muscular dystrophy. Last evaluated: 2018-01-12. Review status: criteria provided, single submitter. Criteria: ICSL Variant Classification Criteria 13 December 2019. Collection method: clinical testing. Allele origin: germline.
Comment: the same text as in the submission from Illumina Laboratory Services, Illumina above.

Illumina Laboratory Services, Illumina
Classification: Likely benign for Autosomal recessive limb-girdle muscular dystrophy type 2J. Last evaluated: 2018-01-12. Review status: criteria provided, single submitter. Criteria: ICSL Variant Classification Criteria 13 December 2019. Collection method: clinical testing. Allele origin: germline.
Comment: the same text as in the submission from Illumina Laboratory Services, Illumina above.

CHEO Genetics Diagnostic Laboratory, Children's Hospital of Eastern Ontario
Classification: Benign for Cardiomyopathy. Last evaluated: 2017-02-22. Review status: criteria provided, single submitter. Criteria: ACMG Guidelines, 2015. Collection method: clinical testing. Allele origin: germline. Study: Canadian Open Genetics Repository.

Eurofins Ntd Llc (ga)
Classification: Benign. Last evaluated: 2015-09-01. Review status: criteria provided, single submitter. Criteria: EGL Classification Definitions 2015. Collection method: clinical testing. Allele origin: germline. Observed: 1 variant allele, 1 heterozygote.

Laboratory for Molecular Medicine, Mass General Brigham Personalized Medicine
Classification: Benign. Last evaluated: 2015-04-28. Review status: criteria provided, single submitter. Criteria: LMM Criteria. Collection method: clinical testing. Allele origin: germline. Observed: 16 variant alleles.
Comment: c.1938+10G>C in intron 12 of TTN: This variant is not expected to have clinical significance because it has been identified in 2.4% (400/16504) of South Asian c hromosomes, including 10 homozygotes, by the Exome Aggregation Consortium (ExAC; dbSNP rs190935632).

GeneDx
Classification: Benign. Last evaluated: 2014-04-29. Review status: criteria provided, single submitter. Criteria: GeneDx Variant Classification (06012015). Collection method: clinical testing. Allele origin: germline. Affected: yes.
Comment: This variant is considered likely benign or benign based on one or more of the following criteria: it is a conservative change, it occurs at a poorly conserved position in the protein, it is predicted to be benign by multiple in silico algorithms, and/or has population frequency not consistent with disease.

Breakthrough Genomics
Classification: Likely benign. Review status: criteria provided, single submitter. Criteria: ACMG Guidelines, 2015. Collection method: not provided. Allele origin: germline. Inheritance: Autosomal recessive inheritance. Affected: yes.

Clinical Genetics DNA and cytogenetics Diagnostics Lab, Erasmus MC, Erasmus Medical Center
Classification: Benign. Review status: no assertion criteria provided. Collection method: clinical testing. Allele origin: germline. Affected: yes. Study: VKGL Data-share Consensus. Not counted in ClinVar's aggregate classification.

Clinical Genetics, Academic Medical Center
Classification: Benign. Review status: no assertion criteria provided. Collection method: clinical testing. Allele origin: germline. Affected: yes. Study: VKGL Data-share Consensus. Not counted in ClinVar's aggregate classification.

Diagnostic Laboratory, Department of Genetics, University Medical Center Groningen
Classification: Likely benign. Review status: no assertion criteria provided. Collection method: clinical testing. Allele origin: germline. Affected: yes. Study: VKGL Data-share Consensus. Not counted in ClinVar's aggregate classification.

Genome Diagnostics Laboratory, University Medical Center Utrecht
Classification: Benign. Review status: no assertion criteria provided. Collection method: clinical testing. Allele origin: germline. Affected: yes. Study: VKGL Data-share Consensus. Not counted in ClinVar's aggregate classification.

Laboratory of Diagnostic Genome Analysis, Leiden University Medical Center (LUMC)
Classification: Likely benign. Review status: no assertion criteria provided. Collection method: clinical testing. Allele origin: germline. Affected: yes. Study: VKGL Data-share Consensus. Not counted in ClinVar's aggregate classification.

NM_001267550.2(TTN):c.1938+10G>C

Gene: TTN (titin; minus strand). Cytogenetic location: 2q31.2.
Variant type: single nucleotide variant.
Coding change: c.1938+10G>C on transcript NM_001267550.2 (MANE Select); 10 bases into the intron after coding-DNA position 1938, G replaced by C.
Molecular consequence: intron variant.
Genome position (GRCh38, 1-based): chr2:178,789,968, C>G on the plus strand (G>C on the coding strand, the complement: TTN is on the minus strand). VCF-style: chr2-178789968-C-G. GRCh37 (hg19) VCF-style: chr2-179654695-C-G.
Other names: p.?; c.1800+10G>C (NM_003319.4, NM_133437.4, NM_133432.3); c.1938+10G>C (NM_133379.5, NM_133378.4, NM_001256850.1).
Identifiers: ClinVar variation 46711 (VCV000046711.47), dbSNP rs190935632, ClinGen allele CA282851.
Genomic context (GRCh38, chr2:178,789,968, plus strand): 5'-ATTGTAGTTAATAGTTTACTAGAAATTAGTTTAAAGATGAACTTTTCACAGCTCAAATAT[C>G]TGTATTCACCTTCTCCTGAGTTATTTGCACTTGTTCTCTTTTGGTAGTAATGCCTTCTCT-3'